The following is an entry in ClinVar:

ClinVar aggregate classification (germline): Uncertain significance (1 of 4 stars; one submission).

Conditions:
PLXNA3-related disorder. Also called: PLXNA3-related condition.

gnomAD v4.1: 24 of 1,145,639 alleles (0.0021%); highest among the groups gnomAD compares: Middle Eastern, 0.073%; no homozygotes.

Submission:

PreventionGenetics, part of Exact Sciences
Classification: Uncertain significance for PLXNA3-related condition. Last evaluated: 2026-03-10. Review status: criteria provided, single submitter. Criteria: ACMG Guidelines, 2015. Collection method: clinical testing. Allele origin: germline.
Comment: The PLXNA3 c.517G>A variant is predicted to result in the amino acid substitution p.Gly173Ser. To our knowledge, this variant has not been reported in the literature. This variant is reported in 0.011% of alleles in individuals of African descent in gnomAD, including eight hemizygotes in the larger gnomAD v4.1.0 database. At this time, the clinical significance of this variant is uncertain due to the absence of conclusive functional and genetic evidence.

NM_017514.5(PLXNA3):c.517G>A (p.Gly173Ser)

Gene: PLXNA3 (plexin A3; plus strand). Cytogenetic location: Xq28.
Variant type: single nucleotide variant.
Coding change: c.517G>A on transcript NM_017514.5 (MANE Select); coding-DNA position 517, G replaced by A.
Protein change: p.Gly173Ser; replaces glycine 173 with serine.
Molecular consequence: missense variant.
Genome position (GRCh38, 1-based): chrX:154,460,700, G>A. VCF-style: chrX-154460700-G-A. GRCh37 (hg19) VCF-style: chrX-153689040-G-A.
Other names: short protein forms G173S.
Identifiers: ClinVar variation 3358596 (VCV003358596.2).